The following is an entry in ClinVar:

ClinVar aggregate classification (germline): Likely benign. Review status: criteria provided, multiple submitters, no conflicts (2 of 4 stars). 6 submissions from 6 submitters: Likely benign (6). Last evaluated 2026-09-01.

Conditions:
Inborn genetic diseases. Identifiers: MedGen C0950123, MeSH D030342.
Developmental and epileptic encephalopathy, 11 (DEE11). Also called: Early infantile epileptic encephalopathy 11. Identifiers: Orphanet 1934, MedGen C3150987, MONDO:0013388, OMIM 613721.
Seizures, benign familial infantile, 3 (BFIS3). Also called: Familial neonatal seizures; CONVULSIONS, BENIGN FAMILIAL INFANTILE, 3. Identifiers: Orphanet 140927, Orphanet 306, MedGen C1843140, MONDO:0011904, OMIM 607745.

Allele frequency attached by ClinVar (database versions not stated): gnomAD 0.00004; TOPMed 0.00004; gnomAD exomes 0.00005 and 0.00010; ESP Exome Variant Server 0.00008; ExAC 0.00012.

Submissions (6):

CeGaT Center for Human Genetics Tuebingen
Classification: Likely benign. Last evaluated: 2026-09-01. Review status: criteria provided, single submitter. Criteria: CeGaT Center For Human Genetics Tuebingen Variant Classification Criteria Version 2. Collection method: clinical testing. Allele origin: germline. Affected: yes. Observed: 4 variant alleles.
Comment: SCN2A: BP4

Labcorp Genetics (formerly Invitae), Labcorp
Classification: Likely benign for Seizures, benign familial infantile, 3; Developmental and epileptic encephalopathy, 11. Last evaluated: 2025-11-24. Review status: criteria provided, single submitter. Criteria: Invitae Variant Classification Sherloc (09022015). Collection method: clinical testing. Allele origin: germline.

Blueprint Genetics
Classification: Likely benign. Last evaluated: 2024-10-16. Review status: criteria provided, single submitter. Criteria: ACMG Guidelines, 2015. Collection method: clinical testing. Allele origin: germline.

GeneDx
Classification: Likely benign. Last evaluated: 2019-07-29. Review status: criteria provided, single submitter. Criteria: GeneDx Variant Classification Process June 2021. Collection method: clinical testing. Allele origin: germline. Affected: yes.

Ambry Genetics
Classification: Likely benign for Inborn genetic diseases. Last evaluated: 2017-06-29. Review status: criteria provided, single submitter. Criteria: Ambry Variant Classification Scheme 2023. Collection method: clinical testing. Allele origin: germline.

Breakthrough Genomics
Classification: Likely benign. Review status: criteria provided, single submitter. Criteria: ACMG Guidelines, 2015. Collection method: not provided. Allele origin: germline. Inheritance: Autosomal dominant inheritance. Affected: yes.

NM_001040142.2(SCN2A):c.1386G>A (p.Ala462=)

Gene: SCN2A (sodium voltage-gated channel alpha subunit 2; plus strand). Cytogenetic location: 2q24.3.
Variant type: single nucleotide variant.
Coding change: c.1386G>A on transcript NM_001040142.2 (MANE Select); coding-DNA position 1386, G replaced by A.
Protein change: p.Ala462=; no amino-acid change (alanine 462 retained).
Molecular consequence: synonymous variant.
Genome position (GRCh38, 1-based): chr2:165,315,473, G>A. VCF-style: chr2-165315473-G-A. GRCh37 (hg19) VCF-style: chr2-166171983-G-A.
Other names: c.1386G>A, p.Ala462= (NM_001040143.2, NM_001371246.1, NM_001371247.1 and 1 more transcripts).
Identifiers: ClinVar variation 533506 (VCV000533506.42), dbSNP rs145912536, ClinGen allele CA1939816.
Genomic context (GRCh38, chr2:165,315,473, plus strand): 5'-ACATGATAATTACTTTTTAAGTTTATATGCAACTTCCACATACTTTGCGCCCTTCTAGGC[G>A]GCAGCTGCAGCCGCATCTGCTGAATCAAGAGACTTCAGTGGTGCTGGTGGGATAGGAGTT-3'
Protein context (NP_001035232.1, residues 452-472): QLKKQQEEAQ[Ala462=]AAAAASAESR